The following is an entry in ClinVar:

ClinVar aggregate classification (germline): Uncertain significance (1 of 4 stars; one submission).

Submission:

Women's Health and Genetics/Laboratory Corporation of America, LabCorp
Classification: Uncertain significance. Last evaluated: 2025-04-24. Review status: criteria provided, single submitter. Criteria: LabCorp Variant Classification Summary - May 2015. Collection method: clinical testing. Allele origin: germline.
Comment: Variant summary: GCDH c.630G>C (p.Lys210Asn) results in a non-conservative amino acid change in the encoded protein sequence. Five of five in-silico tools predict a damaging effect of the variant on protein function. The variant was absent in 251450 control chromosomes. The available data on variant occurrences in the general population are insufficient to allow any conclusion about variant significance. To our knowledge, no occurrence of c.630G>C has been observed in individual(s) affected with Glutaric Acidemia Type 1 and no experimental evidence demonstrating an impact on protein function has been reported. No submitters have cited clinical-significance assessments for this variant to ClinVar. Based on the evidence outlined above, the variant was classified as uncertain significance.

Literature cited by the submitters: PubMed 37020324.

NM_000159.4(GCDH):c.630G>C (p.Lys210Asn)

Gene: GCDH (glutaryl-CoA dehydrogenase; plus strand). Cytogenetic location: 19p13.13.
Variant type: single nucleotide variant.
Coding change: c.630G>C on transcript NM_000159.4 (MANE Select); coding-DNA position 630, G replaced by C.
Protein change: p.Lys210Asn; replaces lysine 210 with asparagine.
Molecular consequence: missense variant. On other transcripts: non-coding transcript variant (2).
Genome position (GRCh38, 1-based): chr19:12,896,116, G>C. VCF-style: chr19-12896116-G-C. GRCh37 (hg19) VCF-style: chr19-13006930-G-C.
Other names: c.630G>C, p.Lys210Asn (NM_013976.5); short protein forms K210N.
Identifiers: ClinVar variation 3896651 (VCV003896651.2).